The following is an entry in ClinVar:

ClinVar aggregate classification (germline): Pathogenic (1 of 4 stars; one submission).

Conditions:
Gorlin syndrome. Also called: Nevoid Basal Cell Carcinoma Syndrome; Basal cell nevus syndrome. Identifiers: Orphanet 377, MedGen C0004779, MONDO:0007187.

Submission:

Labcorp Genetics (formerly Invitae), Labcorp
Classification: Pathogenic for Gorlin syndrome. Last evaluated: 2022-03-16. Review status: criteria provided, single submitter. Criteria: Invitae Variant Classification Sherloc (09022015). Collection method: clinical testing. Allele origin: germline.
Comment: For these reasons, this variant has been classified as Pathogenic. This variant has not been reported in the literature in individuals affected with PTCH1-related conditions. This variant is not present in population databases (gnomAD no frequency). This sequence change creates a premature translational stop signal (p.Asn258Thrfs*11) in the PTCH1 gene. It is expected to result in an absent or disrupted protein product. Loss-of-function variants in PTCH1 are known to be pathogenic (PMID: 16301862, 16419085).

Literature cited by the submitters: PubMed 16301862; PubMed 16419085.

NM_000264.5(PTCH1):c.773del (p.Asn258fs)

Gene: PTCH1 (patched 1; minus strand). Cytogenetic location: 9q22.32.
Variant type: Deletion.
Coding change: c.773del on transcript NM_000264.5 (MANE Select); coding-DNA position 773, one base deleted (A; older notation c.773delA).
Protein change: p.Asn258fs; shifts the reading frame from asparagine 258.
Molecular consequence: frameshift variant. On other transcripts: non-coding transcript variant (1).
Genome position (GRCh38, 1-based): chr9:95,480,562, T deleted on the plus strand (A on the coding strand, the reverse complement: PTCH1 is on the minus strand); the first of 3 consecutive T bases (chr9:95,480,562-95,480,564); deleting any one gives the same sequence. VCF-style (leftmost placement, unchanged base first): chr9-95480561-GT-G. GRCh37 (hg19) VCF-style: chr9-98242843-GT-G.
Other names: c.575del, p.Asn192fs (NM_001083602.3); c.770del, p.Asn257fs (NM_001083603.3); c.320del, p.Asn107fs (NM_001083604.3, NM_001083605.3, NM_001083606.3 and 1 more transcripts); c.773del, p.Asn258fs (NM_001354918.2); short protein forms N257fs, N107fs, N192fs, N258fs.
Identifiers: ClinVar variation 2110665 (VCV002110665.4), dbSNP rs2538233982, ClinGen allele CA2580080895.